The following is an entry in ClinVar:

NM_006514.4(SCN10A):c.2056C>G (p.His686Asp)

Gene: SCN10A (sodium voltage-gated channel alpha subunit 10; minus strand). Cytogenetic location: 3p22.2.
Variant type: single nucleotide variant.
Coding change: c.2056C>G on transcript NM_006514.4 (MANE Select); coding-DNA position 2056, C replaced by G.
Protein change: p.His686Asp; replaces histidine 686 with aspartic acid.
Molecular consequence: missense variant.
Genome position (GRCh38, 1-based): chr3:38,742,341, G>C on the plus strand (C>G on the coding strand, the complement: SCN10A is on the minus strand). VCF-style: chr3-38742341-G-C. GRCh37 (hg19) VCF-style: chr3-38783832-G-C.
Other names: c.2056C>G, p.His686Asp (NM_001293306.2); c.1762C>G, p.His588Asp (NM_001293307.2); short protein forms H588D, H686D.
Identifiers: ClinVar variation 4614908 (VCV004614908.2).

ClinVar aggregate classification (germline): Uncertain significance (1 of 4 stars; one submission).

Conditions:
Cardiovascular phenotype. Identifiers: MedGen CN230736.

gnomAD v4.1: 1 of 1,614,136 alleles (0.000062%); highest among the groups gnomAD compares: South Asian, 0.0011%; no homozygotes.

Submission:

Ambry Genetics
Classification: Uncertain significance for Cardiovascular phenotype. Last evaluated: 2025-12-30. Review status: criteria provided, single submitter. Criteria: Ambry Variant Classification Scheme 2023. Collection method: clinical testing. Allele origin: germline.
Comment: The p.H686D variant (also known as c.2056C>G), located in coding exon 13 of the SCN10A gene, results from a C to G substitution at nucleotide position 2056. The histidine at codon 686 is replaced by aspartic acid, an amino acid with similar properties. This amino acid position is conserved. In addition, this alteration is predicted to be deleterious by in silico analysis. Based on the available evidence, the clinical significance of this variant remains unclear.